The following is an entry in ClinVar:

ClinVar aggregate classification (germline): Uncertain significance (1 of 4 stars; one submission).

Conditions:
Beckwith-Wiedemann syndrome (BWS). Also called: Exomphalos macroglossia gigantism syndrome; EMG SYNDROME. Identifiers: Orphanet 116, MedGen C0004903, MONDO:0007534, OMIM 130650.

gnomAD v4.1: 1 of 1,380,434 alleles (0.000072%); highest among the groups gnomAD compares: South Asian, 0.0014%; no homozygotes.

Submission:

Labcorp Genetics (formerly Invitae), Labcorp
Classification: Uncertain significance for Beckwith-Wiedemann syndrome. Last evaluated: 2022-04-21. Review status: criteria provided, single submitter. Criteria: Invitae Variant Classification Sherloc (09022015). Collection method: clinical testing. Allele origin: germline.
Comment: In summary, the available evidence is currently insufficient to determine the role of this variant in disease. Therefore, it has been classified as a Variant of Uncertain Significance. Algorithms developed to predict the effect of missense changes on protein structure and function output the following: SIFT: "Tolerated"; PolyPhen-2: "Not Available"; Align-GVGD: "Class C0". The proline amino acid residue is found in multiple mammalian species, which suggests that this missense change does not adversely affect protein function. This variant has not been reported in the literature in individuals affected with CDKN1C-related conditions. The frequency data for this variant in the population databases is considered unreliable, as metrics indicate poor data quality at this position in the gnomAD database. This sequence change replaces glutamine, which is neutral and polar, with proline, which is neutral and non-polar, at codon 226 of the CDKN1C protein (p.Gln226Pro).

NM_001122630.2(CDKN1C):c.644A>C (p.Gln215Pro)

Gene: CDKN1C (cyclin dependent kinase inhibitor 1C; minus strand). Cytogenetic location: 11p15.4.
Variant type: single nucleotide variant.
Coding change: c.644A>C on transcript NM_001122630.2 (MANE Select); coding-DNA position 644, A replaced by C.
Protein change: p.Gln215Pro; replaces glutamine 215 with proline.
Molecular consequence: missense variant. On other transcripts: intron variant (1).
Genome position (GRCh38, 1-based): chr11:2,884,813, T>G on the plus strand (A>C on the coding strand, the complement: CDKN1C is on the minus strand). VCF-style: chr11-2884813-T-G. GRCh37 (hg19) VCF-style: chr11-2906043-T-G.
Other names: c.677A>C, p.Gln226Pro (NM_000076.2, NM_001362474.2); c.644A>C, p.Gln215Pro (NM_001122631.2); c.255+389A>C (NM_001362475.2); short protein forms Q215P, Q226P.
Identifiers: ClinVar variation 2144613 (VCV002144613.4), dbSNP rs1424651848, ClinGen allele CA379145939.